The following is an entry in ClinVar:

ClinVar aggregate classification (germline): Uncertain significance (1 of 4 stars; one submission).

Conditions:
Developmental and epileptic encephalopathy, 37 (DEE37). Also called: Epileptic encephalopathy, early infantile, 37. Identifiers: MedGen C4310770, MONDO:0014859, OMIM 616981.

Allele frequency attached by ClinVar (database versions not stated): gnomAD exomes below 0.00001; TOPMed below 0.00001.
gnomAD v4.1: 1 of 1,212,188 alleles (0.000082%); highest among the groups gnomAD compares: Non-Finnish European, 0.0001%; no homozygotes.

Submission:

Labcorp Genetics (formerly Invitae), Labcorp
Classification: Uncertain significance for Developmental and epileptic encephalopathy, 37. Last evaluated: 2020-10-09. Review status: criteria provided, single submitter. Criteria: Invitae Variant Classification Sherloc (09022015). Collection method: clinical testing. Allele origin: germline.
Comment: This sequence change replaces arginine with tryptophan at codon 91 of the FRRS1L protein (p.Arg91Trp). The arginine residue is weakly conserved and there is a moderate physicochemical difference between arginine and tryptophan. The frequency data for this variant in the population databases is considered unreliable, as metrics indicate insufficient coverage at this position in the ExAC database. This variant has not been reported in the literature in individuals with FRRS1L-related conditions. Algorithms developed to predict the effect of missense changes on protein structure and function are either unavailable or do not agree on the potential impact of this missense change (SIFT: "Deleterious"; PolyPhen-2: "Possibly Damaging"; Align-GVGD: "Class C0"). In summary, the available evidence is currently insufficient to determine the role of this variant in disease. Therefore, it has been classified as a Variant of Uncertain Significance.

NM_014334.4(FRRS1L):c.118C>T (p.Arg40Trp)

Gene: FRRS1L (ferric chelate reductase 1 like; minus strand). Cytogenetic location: 9q31.3.
Variant type: single nucleotide variant.
Coding change: c.118C>T on transcript NM_014334.4 (MANE Select); coding-DNA position 118, C replaced by T.
Protein change: p.Arg40Trp; replaces arginine 40 with tryptophan.
Molecular consequence: missense variant.
Genome position (GRCh38, 1-based): chr9:109,167,021, G>A on the plus strand (C>T on the coding strand, the complement: FRRS1L is on the minus strand). VCF-style: chr9-109167021-G-A. GRCh37 (hg19) VCF-style: chr9-111929301-G-A.
Other names: short protein forms R40W.
Identifiers: ClinVar variation 1046244 (VCV001046244.9), dbSNP rs1831562855, ClinGen allele CA374430463.